The following is an entry in ClinVar:

ClinVar aggregate classification (germline): Pathogenic (1 of 4 stars; one submission).

Conditions:
Autosomal recessive nonsyndromic hearing loss 9. Also called: NEUROSENSORY NONSYNDROMIC RECESSIVE DEAFNESS 9; OTOF-Related Hearing Loss; Deafness, autosomal recessive 9; AUDITORY NEUROPATHY, AUTOSOMAL RECESSIVE, 1, TEMPERATURE-SENSITIVE. Identifiers: Orphanet 90636, MedGen C1832828, MONDO:0010986, OMIM 601071.

gnomAD v4.1: 3 of 1,614,016 alleles (0.00019%); highest among the groups gnomAD compares: African/African-American, 0.0027%; no homozygotes.

Submission:

Institute of Rare Diseases, West China Hospital, Sichuan University
Classification: Pathogenic for Autosomal recessive nonsyndromic hearing loss 9. Last evaluated: 2025-01-09. Review status: criteria provided, single submitter. Criteria: ClinGen HL ACMG Specifications v1. Collection method: research. Allele origin: germline. Affected: yes.
Comment: PVS1;PM3;PM2_Supporting

NM_194248.3(OTOF):c.4228-2A>G

Gene: OTOF (otoferlin; minus strand). Cytogenetic location: 2p23.3.
Variant type: single nucleotide variant.
Coding change: c.4228-2A>G on transcript NM_194248.3 (MANE Select); the canonical splice acceptor site of the intron before coding-DNA position 4228, A replaced by G.
Molecular consequence: splice acceptor variant.
Genome position (GRCh38, 1-based): chr2:26,467,235, T>C on the plus strand (A>G on the coding strand, the complement: OTOF is on the minus strand). VCF-style: chr2-26467235-T-C. GRCh37 (hg19) VCF-style: chr2-26690103-T-C.
Other names: c.4228-2A>G (NM_001287489.2); c.1927-2A>G (NM_194323.3, NM_004802.4); c.2158-2A>G (NM_194322.3).
Identifiers: ClinVar variation 3601542 (VCV003601542.1).